The following is an entry in ClinVar:

NM_001130861.1(CLDN5):c.14G>C (p.Arg5Pro)

Gene: CLDN5 (claudin 5; minus strand). Cytogenetic location: 22q11.21.
Variant type: single nucleotide variant.
Coding change: c.14G>C on transcript NM_001130861.1; coding-DNA position 14, G replaced by C.
Protein change: p.Arg5Pro; replaces arginine 5 with proline.
Molecular consequence: missense variant.
Genome position (GRCh38, 1-based): chr22:19,524,497, C>G on the plus strand (G>C on the coding strand, the complement: CLDN5 is on the minus strand). VCF-style: chr22-19524497-C-G. GRCh37 (hg19) VCF-style: chr22-19512020-C-G.
Other names: c.14G>C, p.Arg5Pro (NM_001363067.2, NM_003277.4); short protein forms R5P.
Identifiers: ClinVar variation 3901704 (VCV003901704.1).
Genomic context (GRCh38, chr22:19,524,497, plus strand): 5'-GAAGGTTCGGGGGCGGATTCTGTCCCCCGGGCCCGGCCCCCCGGCCCGAAGCAGCCAATC[C>G]GTGCGCGGGTCATCGTGCCGCAGCCAATCACAGAGCCTCTGGCAGCTGAAGTTAGGGAAA-3'

ClinVar aggregate classification (germline): Uncertain significance (1 of 4 stars; one submission).

Submission:

GeneDx
Classification: Uncertain significance. Last evaluated: 2024-12-05. Review status: criteria provided, single submitter. Criteria: GeneDx Variant Classification Process June 2021. Collection method: clinical testing. Allele origin: germline. Affected: yes.
Comment: Not observed at significant frequency in large population cohorts (gnomAD); In silico analysis indicates that this missense variant does not alter protein structure/function; Has not been previously published as pathogenic or benign to our knowledge